The following is an entry in ClinVar:

NM_000159.4(GCDH):c.1000A>T (p.Lys334Ter)

Gene: GCDH (glutaryl-CoA dehydrogenase; plus strand). Cytogenetic location: 19p13.13.
Variant type: single nucleotide variant.
Coding change: c.1000A>T on transcript NM_000159.4 (MANE Select); coding-DNA position 1000, A replaced by T.
Protein change: p.Lys334Ter; replaces lysine 334 with a stop codon.
Molecular consequence: nonsense. On other transcripts: non-coding transcript variant (2).
Genome position (GRCh38, 1-based): chr19:12,897,346, A>T. VCF-style: chr19-12897346-A-T. GRCh37 (hg19) VCF-style: chr19-13008160-A-T.
Other names: c.1000A>T, p.Lys334Ter (NM_013976.5); c.1000A>T (NM_000159.3); short protein forms K334*.
Identifiers: ClinVar variation 2720467 (VCV002720467.4), dbSNP rs2512576016, ClinGen allele CA404319957.

ClinVar aggregate classification (germline): Pathogenic/Likely pathogenic. Review status: criteria provided, multiple submitters, no conflicts (2 of 4 stars). 2 submissions from 2 submitters: Pathogenic (1); Likely pathogenic (1). Last evaluated 2024-10-13.

Conditions:
Glutaric aciduria, type 1. Also called: Glutaricaciduria, type I; Glutaryl-CoA dehydrogenase deficiency; Glutaric acidemia type I; Glutaricacidemia Type 1; GA I; Glutaric Acidemia Type 1. Identifiers: Orphanet 25, MedGen C0268595, MONDO:0009281, OMIM 231670.

Submissions (2):

Natera, Inc.
Classification: Likely pathogenic for Glutaric acidemia type 1. Last evaluated: 2024-10-13. Review status: criteria provided, single submitter. Criteria: Natera Variant Classification Schema (03/2026). Collection method: clinical testing. Allele origin: germline.
Comment: The c.1000A>T variant in GCDH is a nonsense variant predicted to introduce a stop codon at amino acid 334. This variant is expected to result in nonsense mediated decay, truncation, or a dysfunctional protein product. This variant is rare in the general population with a frequency below the threshold expected for the associated phenotype(s). Given the available evidence, this variant is classified as Likely Pathogenic.

Labcorp Genetics (formerly Invitae), Labcorp
Classification: Pathogenic for Glutaric aciduria, type 1. Last evaluated: 2023-06-23. Review status: criteria provided, single submitter. Criteria: Invitae Variant Classification Sherloc (09022015). Collection method: clinical testing. Allele origin: germline.
Comment: For these reasons, this variant has been classified as Pathogenic. Algorithms developed to predict the effect of sequence changes on RNA splicing suggest that this variant may disrupt the consensus splice site. This variant has not been reported in the literature in individuals affected with GCDH-related conditions. This variant is not present in population databases (gnomAD no frequency). This sequence change creates a premature translational stop signal (p.Lys334*) in the GCDH gene. It is expected to result in an absent or disrupted protein product. Loss-of-function variants in GCDH are known to be pathogenic (PMID: 10699052, 11854167, 16602100).

Literature cited by the submitters: PubMed 10699052 (cited by Labcorp Genetics (formerly Invitae), Labcorp); PubMed 11854167 (cited by Labcorp Genetics (formerly Invitae), Labcorp); PubMed 16602100 (cited by Labcorp Genetics (formerly Invitae), Labcorp).